The following is an entry in ClinVar:

NM_000384.3(APOB):c.3583G>A (p.Val1195Met)

Gene: APOB (apolipoprotein B; minus strand). Cytogenetic location: 2p24.1.
Variant type: single nucleotide variant.
Coding change: c.3583G>A on transcript NM_000384.3 (MANE Select); coding-DNA position 3583, G replaced by A.
Protein change: p.Val1195Met; replaces valine 1195 with methionine.
Molecular consequence: missense variant.
Genome position (GRCh38, 1-based): chr2:21,015,186, C>T on the plus strand (G>A on the coding strand, the complement: APOB is on the minus strand). VCF-style: chr2-21015186-C-T. GRCh37 (hg19) VCF-style: chr2-21238058-C-T.
Other names: short protein forms V1195M.
Identifiers: ClinVar variation 404402 (VCV000404402.8), dbSNP rs1060500236, ClinGen allele CA16610626.

ClinVar aggregate classification (germline): Uncertain significance (1 of 4 stars; one submission).

Conditions:
Hypercholesterolemia, autosomal dominant, type B (FHCL2). Also called: APOB-Related Familial Hypercholesterolemia, Autosomal Dominant; Familial Hypercholesterolemia Type B; APOLIPOPROTEIN B-100, FAMILIAL DEFECTIVE; APOLIPOPROTEIN B-100, FAMILIAL LIGAND-DEFECTIVE; Hyperlipoproteinemia Type IIb; Familial hypercholesterolemia 2. Identifiers: MedGen C1704417, MONDO:0007751, OMIM 144010.
Familial hypobetalipoproteinemia 1. Also called: APOB-Related Familial Hypobetalipoproteinemia; Hypobetalipoproteinemia, normotriglyceridemic; Acanthocytosis with hypobetalipoproteinemia. Identifiers: MedGen C4551990, MONDO:0014252, OMIM 615558.

Allele frequency attached by ClinVar (database versions not stated): gnomAD exomes below 0.00001.
gnomAD v4.1: 2 of 1,614,148 alleles (0.00012%); highest among the groups gnomAD compares: Non-Finnish European, 0.00017%; no homozygotes.

Submission:

Labcorp Genetics (formerly Invitae), Labcorp
Classification: Uncertain significance for Familial hypobetalipoproteinemia 1; Hypercholesterolemia, autosomal dominant, type B. Last evaluated: 2022-10-25. Review status: criteria provided, single submitter. Criteria: Invitae Variant Classification Sherloc (09022015). Collection method: clinical testing. Allele origin: germline.
Comment: This sequence change replaces valine, which is neutral and non-polar, with methionine, which is neutral and non-polar, at codon 1195 of the APOB protein (p.Val1195Met). This variant is not present in population databases (gnomAD no frequency). This variant has not been reported in the literature in individuals affected with APOB-related conditions. ClinVar contains an entry for this variant (Variation ID: 404402). Advanced modeling of protein sequence and biophysical properties (such as structural, functional, and spatial information, amino acid conservation, physicochemical variation, residue mobility, and thermodynamic stability) performed at Invitae indicates that this missense variant is not expected to disrupt APOB protein function. In summary, the available evidence is currently insufficient to determine the role of this variant in disease. Therefore, it has been classified as a Variant of Uncertain Significance.